The following is an entry in ClinVar:

ClinVar aggregate classification (germline): Likely benign. Review status: criteria provided, multiple submitters, no conflicts (2 of 4 stars). 5 submissions from 5 submitters: Likely benign (4). 1 of the submissions does not count toward it. Last evaluated 2026-01-18.

Conditions:
POLE-related disorder. Also called: POLE-related condition; POLE-related disorders.
Facial dysmorphism-immunodeficiency-livedo-short stature syndrome. Also called: Facial dysmorphism, immunodeficiency, livedo, and short stature; FILS syndrome. Identifiers: Orphanet 352712, MedGen C3554576, MONDO:0014058, OMIM 615139.
Colorectal cancer, susceptibility to, 12 (CRCS12). Also called: COLORECTAL CANCER, SUSCEPTIBILITY TO, ON CHROMOSOME 12q24. Identifiers: Orphanet 220460, MedGen C3554460, MONDO:0014038, OMIM 615083.
Intrauterine growth retardation, metaphyseal dysplasia, adrenal hypoplasia congenita, genital anomalies, and immunodeficiency. Also called: IMAGEI SYNDROME. Identifiers: MedGen C5193036, MONDO:0032684, OMIM 618336.
Hereditary cancer-predisposing syndrome. Also called: Neoplastic Syndromes, Hereditary; Tumor predisposition; Hereditary Cancer Syndrome; Hereditary neoplastic syndrome. Identifiers: Orphanet 140162, MedGen C0027672, MeSH D009386, MONDO:0015356.

Allele frequency attached by ClinVar (database versions not stated): ExAC 0.00001; gnomAD exomes 0.00001; gnomAD 0.00003 and 0.00004; TOPMed 0.00005; ESP Exome Variant Server 0.00008.
gnomAD v4.1: 34 of 1,614,042 alleles (0.0021%); highest among the groups gnomAD compares: Admixed American, 0.0067%; no homozygotes.

Submissions (5):

Labcorp Genetics (formerly Invitae), Labcorp
Classification: Likely benign. Last evaluated: 2026-01-18. Review status: criteria provided, single submitter. Criteria: Invitae Variant Classification Sherloc (09022015). Collection method: clinical testing. Allele origin: germline.

Center for Genomic Medicine, Rigshospitalet, Copenhagen University Hospital
Classification: Likely benign. Last evaluated: 2025-12-29. Review status: criteria provided, single submitter. Criteria: ACMG Guidelines, 2015. Collection method: clinical testing. Allele origin: germline.
Comment: Classification criteria: BP4, BP7

Department of Pathology and Laboratory Medicine, Sinai Health System
Classification: Likely benign for Colorectal cancer, susceptibility to, 12; Facial dysmorphism-immunodeficiency-livedo-short stature syndrome; Intrauterine growth retardation, metaphyseal dysplasia, adrenal hypoplasia congenita, genital anomalies, and immunodeficiency. Last evaluated: 2023-03-24. Review status: criteria provided, single submitter. Criteria: ACMG Guidelines, 2015. Collection method: clinical testing. Allele origin: germline. Affected: yes.

Ambry Genetics
Classification: Likely benign for Hereditary cancer-predisposing syndrome. Last evaluated: 2015-07-15. Review status: criteria provided, single submitter. Criteria: Ambry Variant Classification Scheme 2023. Collection method: clinical testing. Allele origin: germline.

PreventionGenetics, part of Exact Sciences
Classification: Likely benign for POLE-related condition. Last evaluated: 2019-06-14. Review status: no assertion criteria provided. Collection method: clinical testing. Allele origin: germline. Not counted in ClinVar's aggregate classification.
Comment: This variant is classified as likely benign based on ACMG/AMP sequence variant interpretation guidelines (Richards et al. 2015 PMID: 25741868, with internal and published modifications).

NM_006231.4(POLE):c.1584G>A (p.Thr528=)

Gene: POLE (DNA polymerase epsilon, catalytic subunit; minus strand). Cytogenetic location: 12q24.33.
Variant type: single nucleotide variant.
Coding change: c.1584G>A on transcript NM_006231.4 (MANE Select); coding-DNA position 1584, G replaced by A.
Protein change: p.Thr528=; no amino-acid change (threonine 528 retained).
Molecular consequence: synonymous variant.
Genome position (GRCh38, 1-based): chr12:132,672,729, C>T on the plus strand (G>A on the coding strand, the complement: POLE is on the minus strand). VCF-style: chr12-132672729-C-T. GRCh37 (hg19) VCF-style: chr12-133249315-C-T.
Identifiers: ClinVar variation 413524 (VCV000413524.20), dbSNP rs371824210, ClinGen allele CA6893907.